The following is an entry in ClinVar:

ClinVar aggregate classification (germline): Uncertain significance (1 of 4 stars; one submission).

Conditions:
Predisposition to Wilms tumor.

Submission:

St. Jude Molecular Pathology, St. Jude Children's Research Hospital
Classification: Uncertain significance for Predisposition to Wilms tumor. Last evaluated: 2026-10-01. Review status: criteria provided, single submitter. Criteria: St. Jude Assertion Criteria 2020. Collection method: clinical testing. Allele origin: germline.
Comment: The CTR9 c.3010A>G p.(Met1004Val) missense change has a maximum subpopulation frequency of 0.006% in gnomAD v2.1.1. The in silico tool REVEL predicts a benign effect on protein function, but to our knowledge this prediction has not been confirmed by functional studies. To our knowledge, this variant has not been reported in individuals with Wilms tumor. In summary, the evidence currently available is insufficient to determine the clinical significance of this variant. It has therefore been classified as of uncertain significance.

NM_014633.5(CTR9):c.3010A>G (p.Met1004Val)

Gene: CTR9 (CTR9 component of Paf1/RNA polymerase II complex; plus strand). Cytogenetic location: 11p15.4.
Variant type: single nucleotide variant.
Coding change: c.3010A>G on transcript NM_014633.5 (MANE Select); coding-DNA position 3010, A replaced by G.
Protein change: p.Met1004Val; replaces methionine 1004 with valine.
Molecular consequence: missense variant.
Genome position (GRCh38, 1-based): chr11:10,775,548, A>G. VCF-style: chr11-10775548-A-G. GRCh37 (hg19) VCF-style: chr11-10797095-A-G.
Other names: c.2938A>G, p.Met980Val (NM_001346279.2); short protein forms M1004V, M980V.
Identifiers: ClinVar variation 5038375 (VCV005038375.1).